The following is an entry in ClinVar:

NM_004304.5(ALK):c.1912+1del

Gene: ALK (ALK receptor tyrosine kinase; minus strand). Cytogenetic location: 2p23.2.
Variant type: Deletion.
Coding change: c.1912+1del on transcript NM_004304.5 (MANE Select); the canonical splice donor site of the intron after coding-DNA position 1912, one base deleted (G; older notation c.1912+1delG).
Molecular consequence: splice donor variant.
Genome position (GRCh38, 1-based): chr2:29,275,401, C deleted on the plus strand (G on the coding strand, the reverse complement: ALK is on the minus strand). VCF-style (leftmost placement, unchanged base first): chr2-29275400-AC-A. GRCh37 (hg19) VCF-style: chr2-29498266-AC-A.
Identifiers: ClinVar variation 2026739 (VCV002026739.4), dbSNP rs2465332056, ClinGen allele CA2580066326.

ClinVar aggregate classification (germline): Uncertain significance (1 of 4 stars; one submission).

Conditions:
Neuroblastoma, susceptibility to, 3. Also called: ALK-Related Neuroblastic Tumor Susceptibility. Identifiers: Orphanet 635, MedGen C2751681, MONDO:0013083, OMIM 613014.

Submission:

Labcorp Genetics (formerly Invitae), Labcorp
Classification: Uncertain significance for Neuroblastoma, susceptibility to, 3. Last evaluated: 2022-08-24. Review status: criteria provided, single submitter. Criteria: Invitae Variant Classification Sherloc (09022015). Collection method: clinical testing. Allele origin: germline.
Comment: In summary, the available evidence is currently insufficient to determine the role of this variant in disease. Therefore, it has been classified as a Variant of Uncertain Significance. Algorithms developed to predict the effect of sequence changes on RNA splicing suggest that this variant may disrupt the consensus splice site. This variant has not been reported in the literature in individuals affected with ALK-related conditions. This variant is not present in population databases (gnomAD no frequency). This sequence change affects a splice site in intron 10 of the ALK gene. It is expected to disrupt RNA splicing. Variants that disrupt the donor or acceptor splice site typically lead to a loss of protein function (PMID: 16199547), however the current clinical and genetic evidence is not sufficient to establish whether loss-of-function variants in ALK cause disease.

Literature cited by the submitters: PubMed 16199547.